The following is an entry in ClinVar:

NM_024426.6(WT1):c.1082T>C (p.Ile361Thr)

Gene: WT1 (WT1 transcription factor; minus strand). Cytogenetic location: 11p13.
Variant type: single nucleotide variant.
Coding change: c.1082T>C on transcript NM_024426.6 (MANE Select); coding-DNA position 1082, T replaced by C.
Protein change: p.Ile361Thr; replaces isoleucine 361 with threonine.
Molecular consequence: missense variant. On other transcripts: 5 prime UTR variant (1), non-coding transcript variant (1).
Genome position (GRCh38, 1-based): chr11:32,399,979, A>G on the plus strand (T>C on the coding strand, the complement: WT1 is on the minus strand). VCF-style: chr11-32399979-A-G. GRCh37 (hg19) VCF-style: chr11-32421525-A-G.
Other names: c.1031T>C, p.Ile344Thr (NM_000378.6, NM_001407045.1, NM_001407048.1 and 1 more transcripts); c.431T>C, p.Ile144Thr (NM_001198551.2); c.380T>C, p.Ile127Thr (NM_001198552.2); c.-107T>C (NM_001367854.1); c.1076T>C, p.Ile359Thr (NM_001407044.1); c.1082T>C, p.Ile361Thr (NM_001407046.1, NM_024424.5); c.959T>C, p.Ile320Thr (NM_001407047.1); c.908T>C, p.Ile303Thr (NM_001407050.1); and 3 more; short protein forms I127T, I361T, I144T, I344T, I320T, I303T, I356T, I107T.
Identifiers: ClinVar variation 1484902 (VCV001484902.8), dbSNP rs2132957665, ClinGen allele CA379960334.

ClinVar aggregate classification (germline): Uncertain significance. Review status: criteria provided, multiple submitters, no conflicts (2 of 4 stars). 2 submissions from 2 submitters: Uncertain significance (2). Last evaluated 2025-12-26.

Conditions:
Inborn genetic diseases. Identifiers: MedGen C0950123, MeSH D030342.
Wilms tumor 1 (WT1). Also called: Wilms tumor, somatic. Identifiers: Orphanet 654, MedGen CN033288, MONDO:0008679, OMIM 194070.
11p partial monosomy syndrome (WAGR). Also called: CHROMOSOME 11p13 DELETION SYNDROME; WAGR syndrome; WAGR Spectrum Disorder; WAGR Complex. Identifiers: Orphanet 893, MedGen C0206115, MONDO:0008681, OMIM 194072.
Drash syndrome (DDS). Also called: NEPHROPATHY, WILMS TUMOR, AND GENITAL ANOMALIES; WILMS TUMOR AND PSEUDO- OR TRUE HERMAPHRODITISM. Identifiers: Orphanet 220, MedGen C0950121, MONDO:0008682, OMIM 194080.
Frasier syndrome. Identifiers: Orphanet 347, MedGen C0950122, MeSH D052159, MONDO:0007635, OMIM 136680.

Submissions (2):

Ambry Genetics
Classification: Uncertain significance for Inborn genetic diseases. Last evaluated: 2025-12-26. Review status: criteria provided, single submitter. Criteria: Ambry Variant Classification Scheme 2023. Collection method: clinical testing. Allele origin: germline.
Comment: The p.I356T variant (also known as c.1067T>C), located in coding exon 6 of the WT1 gene, results from a T to C substitution at nucleotide position 1067. The isoleucine at codon 356 is replaced by threonine, an amino acid with similar properties. This amino acid position is conserved. In addition, this alteration is predicted to be deleterious by in silico analysis. Based on the available evidence, the clinical significance of this variant remains unclear.

Labcorp Genetics (formerly Invitae), Labcorp
Classification: Uncertain significance for Wilms tumor 1; Drash syndrome; 11p partial monosomy syndrome; Frasier syndrome. Last evaluated: 2023-05-08. Review status: criteria provided, single submitter. Criteria: Invitae Variant Classification Sherloc (09022015). Collection method: clinical testing. Allele origin: germline.
Comment: ClinVar contains an entry for this variant (Variation ID: 1484902). In summary, the available evidence is currently insufficient to determine the role of this variant in disease. Therefore, it has been classified as a Variant of Uncertain Significance. An algorithm developed to predict the effect of missense changes on protein structure and function (PolyPhen-2) suggests that this variant is likely to be disruptive. This variant has not been reported in the literature in individuals affected with WT1-related conditions. This variant is not present in population databases (gnomAD no frequency). This sequence change replaces isoleucine, which is neutral and non-polar, with threonine, which is neutral and polar, at codon 356 of the WT1 protein (p.Ile356Thr).